The following is an entry in ClinVar:

NM_006767.4(LZTR1):c.1227C>G (p.Asn409Lys)

Gene: LZTR1 (leucine zipper like post translational regulator 1; plus strand). Cytogenetic location: 22q11.21.
Variant type: single nucleotide variant.
Coding change: c.1227C>G on transcript NM_006767.4 (MANE Select); coding-DNA position 1227, C replaced by G.
Protein change: p.Asn409Lys; replaces asparagine 409 with lysine.
Molecular consequence: missense variant.
Genome position (GRCh38, 1-based): chr22:20,992,871, C>G. VCF-style: chr22-20992871-C-G. GRCh37 (hg19) VCF-style: chr22-21347160-C-G.
Other names: short protein forms N409K.
Identifiers: ClinVar variation 2814372 (VCV002814372.3), dbSNP rs2518618897, ClinGen allele CA410773993.

ClinVar aggregate classification (germline): Uncertain significance (1 of 4 stars; one submission).

Submission:

Labcorp Genetics (formerly Invitae), Labcorp
Classification: Uncertain significance. Last evaluated: 2022-11-15. Review status: criteria provided, single submitter. Criteria: Invitae Variant Classification Sherloc (09022015). Collection method: clinical testing. Allele origin: germline.
Comment: Advanced modeling of protein sequence and biophysical properties (such as structural, functional, and spatial information, amino acid conservation, physicochemical variation, residue mobility, and thermodynamic stability) performed at Invitae indicates that this missense variant is not expected to disrupt LZTR1 protein function. This sequence change replaces asparagine, which is neutral and polar, with lysine, which is basic and polar, at codon 409 of the LZTR1 protein (p.Asn409Lys). This variant is not present in population databases (gnomAD no frequency). This variant has not been reported in the literature in individuals affected with LZTR1-related conditions. In summary, the available evidence is currently insufficient to determine the role of this variant in disease. Therefore, it has been classified as a Variant of Uncertain Significance.